The following is an entry in ClinVar:

NM_213649.2(SFXN4):c.360+290G>A

Gene: SFXN4 (sideroflexin 4; minus strand). Cytogenetic location: 10q26.11.
Variant type: single nucleotide variant.
Coding change: c.360+290G>A on transcript NM_213649.2 (MANE Select); 290 bases into the intron after coding-DNA position 360, G replaced by A.
Molecular consequence: intron variant.
Genome position (GRCh38, 1-based): chr10:119,159,438, C>T on the plus strand (G>A on the coding strand, the complement: SFXN4 is on the minus strand). VCF-style: chr10-119159438-C-T. GRCh37 (hg19) VCF-style: chr10-120918950-C-T.
Identifiers: ClinVar variation 683826 (VCV000683826.1), dbSNP rs925388, ClinGen allele CA13171086.

ClinVar aggregate classification (germline): Benign (1 of 4 stars; one submission).

Allele frequency attached by ClinVar (database versions not stated): gnomAD 0.47677 and 0.48013; TOPMed 0.48341; 1000 Genomes Project 30x 0.50016; 1000 Genomes Project 0.50419.
gnomAD v4.1: 72,884 of 151,876 alleles (48%); highest among the groups gnomAD compares: East Asian, 72%; 17,805 homozygotes.

Submission:

GeneDx
Classification: Benign. Last evaluated: 2018-06-14. Review status: criteria provided, single submitter. Criteria: GeneDx Variant Classification (06012015). Collection method: clinical testing. Allele origin: germline. Affected: yes.
Comment: This variant is considered likely benign or benign based on one or more of the following criteria: it is a conservative change, it occurs at a poorly conserved position in the protein, it is predicted to be benign by multiple in silico algorithms, and/or has population frequency not consistent with disease.